The following is an entry in ClinVar:

NM_001386140.1(MTTP):c.1321C>T (p.Gln441Ter)

Gene: MTTP (microsomal triglyceride transfer protein; plus strand). Cytogenetic location: 4q23.
Variant type: single nucleotide variant.
Coding change: c.1321C>T on transcript NM_001386140.1 (MANE Select); coding-DNA position 1321, C replaced by T.
Protein change: p.Gln441Ter; replaces glutamine 441 with a stop codon.
Molecular consequence: nonsense.
Genome position (GRCh38, 1-based): chr4:99,601,691, C>T. VCF-style: chr4-99601691-C-T. GRCh37 (hg19) VCF-style: chr4-100522848-C-T.
Other names: c.1321C>T, p.Gln441Ter (NM_000253.4); c.1072C>T, p.Gln358Ter (NM_001300785.2); short protein forms Q358*, Q441*.
Identifiers: ClinVar variation 983697 (VCV000983697.3), dbSNP rs1486643983, ClinGen allele CA357509546.

ClinVar aggregate classification (germline): Likely pathogenic (1 of 4 stars; one submission).

Conditions:
Abetalipoproteinaemia (ABL). Also called: Abetalipoproteinemia; Abetalipoproteinemia neuropathy; Apolipoprotein B deficiency; Congenital betalipoprotein deficiency syndrome; MTP DEFICIENCY. Identifiers: Orphanet 14, MedGen C0000744, MONDO:0008692, OMIM 200100, HP:0008181.

Submission:

Myriad Genetics, Inc.
Classification: Likely pathogenic for Abetalipoproteinaemia. Last evaluated: 2019-11-27. Review status: criteria provided, single submitter. Criteria: Myriad Women's Health Autosomal Recessive and X-Linked Classification Criteria (2019). Collection method: clinical testing. Allele origin: unknown.
Comment: NM_000253.2(MTTP):c.1321C>T(Q441*) is expected to be pathogenic in the context of abetalipoproteinemia. This variant is predicted to lead to an abnormal or absent protein product due to the creation of a premature termination codon in MTTP, a gene where loss-of-function variants are known to be pathogenic. Please note: this variant was assessed in the context of healthy population screening.